The following is an entry in ClinVar:

ClinVar aggregate classification (germline): Uncertain significance (1 of 4 stars; one submission).

Conditions:
Early-infantile DEE. Also called: Early infantile epileptic encephalopathy; Early infantile epileptic encephalopathy with suppression bursts; Ohtahara syndrome. Identifiers: Orphanet 1934, MedGen C0393706, MONDO:0800491.

Submission:

Labcorp Genetics (formerly Invitae), Labcorp
Classification: Uncertain significance for Early-infantile DEE. Last evaluated: 2022-12-18. Review status: criteria provided, single submitter. Criteria: Invitae Variant Classification Sherloc (09022015). Collection method: clinical testing. Allele origin: germline.
Comment: In summary, the available evidence is currently insufficient to determine the role of this variant in disease. Therefore, it has been classified as a Variant of Uncertain Significance. Variants that disrupt the consensus splice site are a relatively common cause of aberrant splicing (PMID: 17576681, 9536098). Algorithms developed to predict the effect of sequence changes on RNA splicing suggest that this variant may disrupt the consensus splice site. This sequence change falls in intron 6 of the SCN1A gene. It does not directly change the encoded amino acid sequence of the SCN1A protein. It affects a nucleotide within the consensus splice site. This variant is not present in population databases (gnomAD no frequency). This variant has been observed in individual(s) with Dravet syndrome (Invitae).

Literature cited by the submitters: PubMed 17576681; PubMed 9536098.

NM_001165963.4(SCN1A):c.964+4A>T

Gene: SCN1A (sodium voltage-gated channel alpha subunit 1; minus strand). Cytogenetic location: 2q24.3.
Variant type: single nucleotide variant.
Coding change: c.964+4A>T on transcript NM_001165963.4 (MANE Select); 4 bases into the intron after coding-DNA position 964, A replaced by T.
Molecular consequence: intron variant.
Genome position (GRCh38, 1-based): chr2:166,051,715, T>A on the plus strand (A>T on the coding strand, the complement: SCN1A is on the minus strand). VCF-style: chr2-166051715-T-A. GRCh37 (hg19) VCF-style: chr2-166908225-T-A.
Other names: c.964+4A>T (NM_001353949.2, NM_001353958.2, NM_001353950.2 and 10 more transcripts); c.-1462+4A>T (NM_001353961.2).
Identifiers: ClinVar variation 2821058 (VCV002821058.3), dbSNP rs2468220454, ClinGen allele CA2739271500.
Genomic context (GRCh38, chr2:166,051,715, plus strand): 5'-TCCTTTGTGTTACAAACAATCCAATTCTACTTTTTAAGGAAATGTACATAACAATAATTC[T>A]TACTTGAATCTTGAATATATGACTTCCAGTCAAACTCAAAGACAGTTTCATTTATAAGTG-3'